The following is an entry in ClinVar:

ClinVar aggregate classification (germline): Uncertain significance. Review status: criteria provided, multiple submitters, no conflicts (2 of 4 stars). 2 submissions from 2 submitters: Uncertain significance (2). Last evaluated 2026-04-14.

Conditions:
Familial intrahepatic cholestasis. Identifiers: Orphanet 284385, MedGen CN296401, MONDO:0017290.

Allele frequency attached by ClinVar (database versions not stated): ExAC 0.00001.
gnomAD v4.1: 8 of 1,613,812 alleles (0.0005%); highest among the groups gnomAD compares: South Asian, 0.0077%; no homozygotes.

Submissions (2):

Genomenon, Inc
Classification: Uncertain significance for Familial intrahepatic cholestasis. Last evaluated: 2026-04-14. Review status: criteria provided, single submitter. Criteria: Genomenon Sequence Variant Interpretation Standards - Updated. Collection method: curation. Allele origin: germline. Affected: yes.
Comment: ABCB11 p.Asp1284Asn (c.3850G>A) is a missense variant that changes the amino acid at residue 1284 from Aspartic acid to Asparagine. This variant has been observed in at least one proband with an ABCB11-related disorder (PMID:37208429). It is absent or not present at a significant frequency in gnomAD. In conclusion, we classify ABCB11 p.Asp1284Asn (c.3850G>A) as a variant of uncertain significance.

Women's Health and Genetics/Laboratory Corporation of America, LabCorp
Classification: Uncertain significance. Last evaluated: 2024-04-25. Review status: criteria provided, single submitter. Criteria: LabCorp Variant Classification Summary - May 2015. Collection method: clinical testing. Allele origin: germline.
Comment: Variant summary: ABCB11 c.3850G>A (p.Asp1284Asn) results in a conservative amino acid change located in the ABC transporter-like, ATP-binding domain (IPR003439) of the encoded protein sequence. Three of five in-silico tools predict a benign effect of the variant on protein function. The variant allele was found at a frequency of 1.2e-05 in 247488 control chromosomes. The available data on variant occurrences in the general population are insufficient to allow any conclusion about variant significance. c.3850G>A has been reported in the literature in individuals affected with Intrahepatic cholestatsis of pregnancy (Zollner_2023). These report(s) do not provide unequivocal conclusions about association of the variant with Familial Intrahepatic Cholestasis. To our knowledge, no experimental evidence demonstrating an impact on protein function has been reported. The following publication have been ascertained in the context of this evaluation (PMID: 37208429). No submitters have cited clinical-significance assessments for this variant to ClinVar. Based on the evidence outlined above, the variant was classified as uncertain significance.

Literature cited by the submitters: PubMed 37208429 (cited by Genomenon, Inc and Women's Health and Genetics/Laboratory Corporation of America, LabCorp).

NM_003742.4(ABCB11):c.3850G>A (p.Asp1284Asn)

Gene: ABCB11 (ATP binding cassette subfamily B member 11; minus strand). Cytogenetic location: 2q31.1.
Variant type: single nucleotide variant.
Coding change: c.3850G>A on transcript NM_003742.4 (MANE Select); coding-DNA position 3850, G replaced by A.
Protein change: p.Asp1284Asn; replaces aspartic acid 1284 with asparagine.
Molecular consequence: missense variant.
Genome position (GRCh38, 1-based): chr2:168,923,738, C>T on the plus strand (G>A on the coding strand, the complement: ABCB11 is on the minus strand). VCF-style: chr2-168923738-C-T. GRCh37 (hg19) VCF-style: chr2-169780248-C-T.
Other names: short protein forms D1284N.
Identifiers: ClinVar variation 3251684 (VCV003251684.2), dbSNP rs766784155.